The following is an entry in ClinVar:

ClinVar aggregate classification (germline): Uncertain significance (1 of 4 stars; one submission).

Conditions:
Aortic aneurysm, familial thoracic 4 (AAT4). Also called: AORTIC ANEURYSM/AORTIC DISSECTION AND PATENT DUCTUS ARTERIOSUS. Identifiers: MedGen C1851504, MONDO:0007568, OMIM 132900.

Submission:

Labcorp Genetics (formerly Invitae), Labcorp
Classification: Uncertain significance for Aortic aneurysm, familial thoracic 4. Last evaluated: 2024-07-22. Review status: criteria provided, single submitter. Criteria: Invitae Variant Classification Sherloc (09022015). Collection method: clinical testing. Allele origin: germline.
Comment: This sequence change replaces alanine, which is neutral and non-polar, with threonine, which is neutral and polar, at codon 1170 of the MYH11 protein (p.Ala1170Thr). This variant is not present in population databases (gnomAD no frequency). This variant has not been reported in the literature in individuals affected with MYH11-related conditions. Advanced modeling of protein sequence and biophysical properties (such as structural, functional, and spatial information, amino acid conservation, physicochemical variation, residue mobility, and thermodynamic stability) performed at Invitae indicates that this missense variant is not expected to disrupt MYH11 protein function with a negative predictive value of 95%. In summary, the available evidence is currently insufficient to determine the role of this variant in disease. Therefore, it has been classified as a Variant of Uncertain Significance.

NM_002474.3(MYH11):c.3487G>A (p.Ala1163Thr)

Gene: MYH11 (myosin heavy chain 11; minus strand). Cytogenetic location: 16p13.11.
Variant type: single nucleotide variant.
Coding change: c.3487G>A on transcript NM_002474.3 (MANE Select); coding-DNA position 3487, G replaced by A.
Protein change: p.Ala1163Thr; replaces alanine 1163 with threonine.
Molecular consequence: missense variant.
Genome position (GRCh38, 1-based): chr16:15,735,385, C>T on the plus strand (G>A on the coding strand, the complement: MYH11 is on the minus strand). VCF-style: chr16-15735385-C-T. GRCh37 (hg19) VCF-style: chr16-15829242-C-T.
Other names: c.3508G>A, p.Ala1170Thr (NM_001040113.2, NM_001040114.2); c.3487G>A, p.Ala1163Thr (NM_022844.3); short protein forms A1170T, A1163T.
Identifiers: ClinVar variation 3660161 (VCV003660161.2).
Genomic context (GRCh38, chr16:15,735,385, plus strand): 5'-GCAGTGGGATAGCAGGATGGTGGGATTGATGGGCCCCTCACCTGAGCTCCTGCTGAGTGG[C>T]TGTGCTGTCCAGTGTGTCTTCCAGCTCTGTCTTTAGGGCCTCCAGCTCCTCGCCGAGGTC-3'
Protein context (NP_002465.1, residues 1153-1173): TELEDTLDST[Ala1163Thr]TQQELRAKRE